The following is an entry in ClinVar:

ClinVar aggregate classification (germline): Uncertain significance. Review status: criteria provided, multiple submitters, no conflicts (2 of 4 stars). 2 submissions from 2 submitters: Uncertain significance (2). Last evaluated 2025-10-07.

Conditions:
Myofibrillar myopathy 5. Also called: Filaminopathy (type); FILAMINOPATHY, AUTOSOMAL DOMINANT. Identifiers: Orphanet 171445, MedGen C1836050, MONDO:0012289, OMIM 609524.
Distal myopathy with posterior leg and anterior hand involvement. Also called: WILLIAMS DISTAL MYOPATHY. Identifiers: Orphanet 63273, MedGen C3279722, MONDO:0013550, OMIM 614065.
Hypertrophic cardiomyopathy 26. Also called: Cardiomyopathy, familial hypertrophic, 26. Identifiers: Orphanet 75249, MedGen C4310749, MONDO:0014883, OMIM 617047.

Allele frequency attached by ClinVar (database versions not stated): gnomAD exomes below 0.00001; TOPMed 0.00002.

Submissions (2):

Labcorp Genetics (formerly Invitae), Labcorp
Classification: Uncertain significance for Distal myopathy with posterior leg and anterior hand involvement; Myofibrillar myopathy 5; Hypertrophic cardiomyopathy 26. Last evaluated: 2025-10-07. Review status: criteria provided, single submitter. Criteria: Invitae Variant Classification Sherloc (09022015). Collection method: clinical testing. Allele origin: germline.
Comment: This sequence change replaces valine, which is neutral and non-polar, with isoleucine, which is neutral and non-polar, at codon 1419 of the FLNC protein (p.Val1419Ile). This variant is not present in population databases (gnomAD no frequency). This variant has not been reported in the literature in individuals affected with FLNC-related conditions. ClinVar contains an entry for this variant (Variation ID: 999819). Invitae Evidence Modeling of protein sequence and biophysical properties (such as structural, functional, and spatial information, amino acid conservation, physicochemical variation, residue mobility, and thermodynamic stability) has been performed for this missense variant. However, the output from this modeling did not meet the statistical confidence thresholds required to predict the impact of this variant on FLNC protein function. In summary, the available evidence is currently insufficient to determine the role of this variant in disease. Therefore, it has been classified as a Variant of Uncertain Significance.

GeneDx
Classification: Uncertain significance. Last evaluated: 2025-08-12. Review status: criteria provided, single submitter. Criteria: GeneDx Variant Classification Process June 2021. Collection method: clinical testing. Allele origin: germline. Affected: yes.
Comment: Has not been previously published as pathogenic or benign to our knowledge; Not observed at significant frequency in large population cohorts (gnomAD); In silico analysis suggests that this missense variant does not alter protein structure/function

NM_001458.5(FLNC):c.4255G>A (p.Val1419Ile)

Gene: FLNC (filamin C; plus strand). Cytogenetic location: 7q32.1.
Variant type: single nucleotide variant.
Coding change: c.4255G>A on transcript NM_001458.5 (MANE Select); coding-DNA position 4255, G replaced by A.
Protein change: p.Val1419Ile; replaces valine 1419 with isoleucine.
Molecular consequence: missense variant.
Genome position (GRCh38, 1-based): chr7:128,846,872, G>A. VCF-style: chr7-128846872-G-A. GRCh37 (hg19) VCF-style: chr7-128486926-G-A.
Other names: c.4255G>A, p.Val1419Ile (NM_001127487.2); c.4255G>A (NM_001458.4); short protein forms V1419I.
Identifiers: ClinVar variation 999819 (VCV000999819.7), dbSNP rs1432229476, ClinGen allele CA369200871.